The following is an entry in ClinVar:

ClinVar aggregate classification (germline): Uncertain significance (1 of 4 stars; one submission).

Conditions:
Spherocytosis. Identifiers: MedGen C0553720, HP:0004444.

gnomAD v4.1: 1 of 1,607,674 alleles (0.000062%); highest among the groups gnomAD compares: Non-Finnish European, 0.000085%; no homozygotes.

Submission:

MVZ Dr. Eberhard & Partner Dortmund
Classification: Uncertain significance for Spherocytosis. Last evaluated: 2023-02-13. Review status: criteria provided, single submitter. Criteria: ACMG Guidelines, 2015. Collection method: clinical testing. Allele origin: unknown. Observed: 1 heterozygote.
Comment: This variant was absent from literature, variant databases and control databases. In silico algorithms did not show a deleterious effect on the gene product.

NM_001355436.2(SPTB):c.2407G>A (p.Glu803Lys)

Gene: SPTB (spectrin beta, erythrocytic; minus strand). Cytogenetic location: 14q23.3.
Variant type: single nucleotide variant.
Coding change: c.2407G>A on transcript NM_001355436.2 (MANE Select); coding-DNA position 2407, G replaced by A.
Protein change: p.Glu803Lys; replaces glutamic acid 803 with lysine.
Molecular consequence: missense variant.
Genome position (GRCh38, 1-based): chr14:64,793,256, C>T on the plus strand (G>A on the coding strand, the complement: SPTB is on the minus strand). VCF-style: chr14-64793256-C-T. GRCh37 (hg19) VCF-style: chr14-65259974-C-T.
Other names: NM_000347.5:c.2407G>A; c.2407G>A, p.Glu803Lys (NM_001024858.4, NM_001355437.2); short protein forms E803K.
Identifiers: ClinVar variation 2775403 (VCV002775403.2), dbSNP rs566689631, ClinGen allele CA390017583.